The following is an entry in ClinVar:

NM_007175.8(ERLIN2):c.207T>A (p.Asp69Glu)

Gene: ERLIN2 (ER lipid raft associated 2; plus strand). Cytogenetic location: 8p11.23.
Variant type: single nucleotide variant.
Coding change: c.207T>A on transcript NM_007175.8 (MANE Select); coding-DNA position 207, T replaced by A.
Protein change: p.Asp69Glu; replaces aspartic acid 69 with glutamic acid.
Molecular consequence: missense variant.
Genome position (GRCh38, 1-based): chr8:37,741,789, T>A. VCF-style: chr8-37741789-T-A. GRCh37 (hg19) VCF-style: chr8-37599307-T-A.
Other names: c.207T>A, p.Asp69Glu (NM_001003790.4, NM_001003791.3, NM_001362878.2 and 1 more transcripts); short protein forms D69E.
Identifiers: ClinVar variation 4685121 (VCV004685121.2).

ClinVar aggregate classification (germline): Likely pathogenic (1 of 4 stars; one submission).

Submission:

GeneDx
Classification: Likely pathogenic. Last evaluated: 2026-09-08. Review status: criteria provided, single submitter. Criteria: GeneDx Variant Classification Process June 2021. Collection method: clinical testing. Allele origin: germline.
Comment: Reported with a second variant on the opposite allele (in trans) in a patient with lower limb spasticity, seizures, and increased muscle tone in published literature (PMID: 36964972); Not observed at significant frequency in large population cohorts (gnomAD); In silico analysis supports that this missense variant has a deleterious effect on protein structure/function; This variant is associated with the following publications: (PMID: 21330303, 36964972)